The following is an entry in ClinVar:

NM_138694.4(PKHD1):c.12200C>T (p.Pro4067Leu)

Gene: PKHD1 (PKHD1 ciliary IPT domain containing fibrocystin/polyductin; minus strand). Cytogenetic location: 6p12.3.
Variant type: single nucleotide variant.
Coding change: c.12200C>T on transcript NM_138694.4 (MANE Select); coding-DNA position 12200, C replaced by T.
Protein change: p.Pro4067Leu; replaces proline 4067 with leucine.
Molecular consequence: missense variant.
Genome position (GRCh38, 1-based): chr6:51,619,106, G>A on the plus strand (C>T on the coding strand, the complement: PKHD1 is on the minus strand). VCF-style: chr6-51619106-G-A. GRCh37 (hg19) VCF-style: chr6-51483904-G-A.
Other names: short protein forms P4067L.
Identifiers: ClinVar variation 550648 (VCV000550648.8), dbSNP rs758871283, ClinGen allele CA3850598.

ClinVar aggregate classification (germline): Uncertain significance. Review status: criteria provided, multiple submitters, no conflicts (2 of 4 stars). 4 submissions from 4 submitters: Uncertain significance (3). 1 of the submissions does not count toward it. Last evaluated 2024-06-24.

Conditions:
Polycystic kidney disease 4 (PKD4). Also called: POLYCYSTIC KIDNEY DISEASE 4 WITH OR WITHOUT POLYCYSTIC LIVER DISEASE; POLYCYSTIC KIDNEY AND HEPATIC DISEASE 1; POLYCYSTIC KIDNEY DISEASE, INFANTILE, TYPE I; PKD3; Autosomal Recessive Polycystic Kidney Disease – PKHD1. Identifiers: MedGen C4540575, MONDO:0033004, OMIM 263200.
Autosomal recessive polycystic kidney disease (ARPKD). Also called: AR polycystic kidney disease. Identifiers: Orphanet 731, Orphanet 8378, MedGen C0085548, MeSH D017044, MONDO:0009889.

Allele frequency attached by ClinVar (database versions not stated): ExAC 0.00002; TOPMed 0.00002; gnomAD 0.00003; gnomAD exomes 0.00003.
gnomAD v4.1: 25 of 1,614,178 alleles (0.0015%); highest among the groups gnomAD compares: Admixed American, 0.0067%; no homozygotes.

Submissions (4):

Labcorp Genetics (formerly Invitae), Labcorp
Classification: Uncertain significance for Autosomal recessive polycystic kidney disease. Last evaluated: 2024-06-24. Review status: criteria provided, single submitter. Criteria: Invitae Variant Classification Sherloc (09022015). Collection method: clinical testing. Allele origin: germline.
Comment: This sequence change replaces proline, which is neutral and non-polar, with leucine, which is neutral and non-polar, at codon 4067 of the PKHD1 protein (p.Pro4067Leu). This variant is present in population databases (rs758871283, gnomAD 0.006%). This missense change has been observed in individual(s) with clinical features of PKHD1-related conditions (PMID: 16523049). ClinVar contains an entry for this variant (Variation ID: 550648). Advanced modeling of protein sequence and biophysical properties (such as structural, functional, and spatial information, amino acid conservation, physicochemical variation, residue mobility, and thermodynamic stability) performed at Invitae indicates that this missense variant is not expected to disrupt PKHD1 protein function with a negative predictive value of 95%. In summary, the available evidence is currently insufficient to determine the role of this variant in disease. Therefore, it has been classified as a Variant of Uncertain Significance.

Fulgent Genetics
Classification: Uncertain significance for Polycystic kidney disease 4. Last evaluated: 2024-04-15. Review status: criteria provided, single submitter. Criteria: ACMG Guidelines, 2015. Collection method: clinical testing. Allele origin: germline.

GeneDx
Classification: Uncertain significance. Last evaluated: 2019-08-01. Review status: criteria provided, single submitter. Criteria: GeneDx Variant Classification Process June 2021. Collection method: clinical testing. Allele origin: germline. Affected: yes.
Comment: Identified prenatally in a patient with a clinical diagnosis of autosomal recessive polycystic kidney disease, including anhydramnios and enlarged kidneys, in published literature (Adeva et al., 2006); Not observed at a significant frequency in large population cohorts (Lek et al., 2016); In silico analysis, which includes protein predictors and evolutionary conservation, supports that this variant does not alter protein structure/function; This variant is associated with the following publications: (PMID: 16523049)

Counsyl
Classification: Uncertain significance for Polycystic kidney disease 4. Last evaluated: 2017-02-14. Review status: no assertion criteria provided. Collection method: clinical testing. Allele origin: unknown. Not counted in ClinVar's aggregate classification.

Literature cited by the submitters: PubMed 16523049 (cited by Labcorp Genetics (formerly Invitae), Labcorp and Counsyl).